The following is an entry in ClinVar:

ClinVar aggregate classification (germline): Likely pathogenic (1 of 4 stars; one submission).

Conditions:
Hereditary cancer-predisposing syndrome. Also called: Hereditary Cancer Syndrome; Hereditary neoplastic syndrome; Tumor predisposition; Neoplastic Syndromes, Hereditary. Identifiers: Orphanet 140162, MedGen C0027672, MeSH D009386, MONDO:0015356.

Submission:

Ambry Genetics
Classification: Likely pathogenic for Hereditary cancer-predisposing syndrome. Last evaluated: 2024-09-16. Review status: criteria provided, single submitter. Criteria: Ambry Variant Classification Scheme 2023. Collection method: clinical testing. Allele origin: germline.
Comment: The c.251-3C>G intronic variant results from a C to G substitution 3 nucleotides upstream from coding exon 4 in the PMS2 gene. This nucleotide position is well conserved in available vertebrate species. In silico splice site analysis predicts that this alteration will weaken the native splice acceptor site. RNA studies have demonstrated that this alteration results in abnormal splicing in the set of samples tested (Ambry internal data). This variant is considered to be rare based on population cohorts in the Genome Aggregation Database (gnomAD). Based on the majority of available evidence to date, this variant is likely to be pathogenic.

NM_000535.7(PMS2):c.251-3C>G

Gene: PMS2 (PMS1 homolog 2, mismatch repair system component; minus strand). Cytogenetic location: 7p22.1.
Variant type: single nucleotide variant.
Coding change: c.251-3C>G on transcript NM_000535.7 (MANE Select); 3 bases into the intron before coding-DNA position 251, C replaced by G.
Molecular consequence: intron variant. On other transcripts: nonsense (1).
Genome position (GRCh38, 1-based): chr7:6,003,795, G>C on the plus strand (C>G on the coding strand, the complement: PMS2 is on the minus strand). VCF-style: chr7-6003795-G-C. GRCh37 (hg19) VCF-style: chr7-6043426-G-C.
Other names: c.272C>G, p.Ser91Ter (NM_001406868.1); c.35+177C>G (NM_001322008.2, NM_001322007.2); c.-155-3C>G (NM_001322010.2, NM_001322004.2, NM_001322013.2 and 3 more transcripts); c.-634-3C>G (NM_001322012.2, NM_001322011.2); c.-234-3C>G (NM_001322015.2); c.251-3C>G (NM_001322006.2, NM_001322014.2); short protein forms S91*.
Identifiers: ClinVar variation 1792425 (VCV001792425.3), dbSNP rs1785386998, ClinGen allele CA2580077024.